The following is an entry in ClinVar:

ClinVar aggregate classification (germline): Benign. Review status: criteria provided, multiple submitters, no conflicts (2 of 4 stars). 2 submissions from 2 submitters: Benign (2). Last evaluated 2019-01-18.

Allele frequency attached by ClinVar (database versions not stated): 1000 Genomes Project 0.04692; 1000 Genomes Project 30x 0.04778; gnomAD 0.07215 and 0.07324; gnomAD exomes 0.07798; ExAC 0.07911; ESP Exome Variant Server 0.08073.
gnomAD v4.1: 150,465 of 1,603,722 alleles (9.4%); highest among the groups gnomAD compares: Non-Finnish European, 11%; 7,981 homozygotes.

Submissions (2):

GeneDx
Classification: Benign. Last evaluated: 2019-01-18. Review status: criteria provided, single submitter. Criteria: GeneDx Variant Classification Process June 2021. Collection method: clinical testing. Allele origin: germline. Affected: yes.
Comment: This variant is associated with the following publications: (PMID: 28289279)

Breakthrough Genomics
Classification: Benign. Review status: criteria provided, single submitter. Criteria: ACMG Guidelines, 2015. Collection method: not provided. Allele origin: germline. Inheritance: Unknown mechanism. Affected: yes.

NC_000009.12:g.35661946A>C

Genes: ARHGEF39 (Rho guanine nucleotide exchange factor 39; minus strand), CCDC107 (coiled-coil domain containing 107; plus strand), LOC124252634 (Sharpr-MPRA regulatory region 3743; plus strand). Cytogenetic location: 9p13.3.
Variant type: single nucleotide variant.
Molecular consequence: 3 prime UTR variant (on NM_032818.3).
Genome position: GRCh38 VCF-style: chr9-35661946-A-C. GRCh37 (hg19) VCF-style: chr9-35661943-A-C.
Other names: c.*41T>G (NM_032818.3).
Identifiers: ClinVar variation 1289970 (VCV001289970.3), dbSNP rs72727021, ClinGen allele CA5046163.